The following is an entry in ClinVar:

ClinVar aggregate classification (germline): Uncertain significance (1 of 4 stars; one submission).

Allele frequency attached by ClinVar (database versions not stated): ExAC 0.00002; ESP Exome Variant Server 0.00008; gnomAD exomes 0.00001 and below 0.00001.
gnomAD v4.1: 3 of 1,614,018 alleles (0.00019%); highest among the groups gnomAD compares: Non-Finnish European, 0.00025%; no homozygotes.

Submission:

Labcorp Genetics (formerly Invitae), Labcorp
Classification: Uncertain significance. Last evaluated: 2025-09-23. Review status: criteria provided, single submitter. Criteria: Invitae Variant Classification Sherloc (09022015). Collection method: clinical testing. Allele origin: germline.
Comment: This sequence change replaces histidine, which is basic and polar, with proline, which is neutral and non-polar, at codon 199 of the ITGAM protein (p.His199Pro). This variant is present in population databases (rs375574115, gnomAD 0.003%). This variant has not been reported in the literature in individuals affected with ITGAM-related conditions. ClinVar contains an entry for this variant (Variation ID: 1381480). An algorithm developed to predict the effect of missense changes on protein structure and function (PolyPhen-2) suggests that this variant is likely to be disruptive. In summary, the available evidence is currently insufficient to determine the role of this variant in disease. Therefore, it has been classified as a Variant of Uncertain Significance.

NM_000632.4(ITGAM):c.596A>C (p.His199Pro)

Gene: ITGAM (integrin subunit alpha M; plus strand). Cytogenetic location: 16p11.2.
Variant type: single nucleotide variant.
Coding change: c.596A>C on transcript NM_000632.4 (MANE Select); coding-DNA position 596, A replaced by C.
Protein change: p.His199Pro; replaces histidine 199 with proline.
Molecular consequence: missense variant.
Genome position (GRCh38, 1-based): chr16:31,271,884, A>C. VCF-style: chr16-31271884-A-C. GRCh37 (hg19) VCF-style: chr16-31283205-A-C.
Other names: c.596A>C, p.His199Pro (NM_001145808.2); short protein forms H199P.
Identifiers: ClinVar variation 1381480 (VCV001381480.6), dbSNP rs375574115, ClinGen allele CA8025284.